The following is an entry in ClinVar:

ClinVar aggregate classification (germline): Uncertain significance (1 of 4 stars; one submission).

Conditions:
Glycogen storage disease, type II (IOPD). Also called: Pompe Disease; CARDIOMEGALIA GLYCOGENICA DIFFUSA; GLYCOGENOSIS, GENERALIZED, CARDIAC FORM; GSD II; POMPE DISEASE, INFANTILE-ONSET; GLYCOGEN STORAGE DISEASE II, INFANTILE-ONSET. Identifiers: Orphanet 365, MedGen C0017921, MONDO:0009290, OMIM 232300.

Submission:

Genomenon, Inc
Classification: Uncertain significance for Glycogen storage disease, type II. Last evaluated: 2026-07-01. Review status: criteria provided, single submitter. Criteria: Genomenon Sequence Variant Interpretation Standards - Updated. Collection method: curation. Allele origin: germline. Affected: no.
Comment: GAA p.Trp661Gly (c.1981T>G) is a missense variant that changes the amino acid at codon 661 from Tryptophan to Glycine. This variant has been reported in the published literature (PMID:18425781;30281819;19343043). At least one functional study has demonstrated a substantial alteration in protein function relative to the wild-type (PMID:18425781). It is absent or not present at a significant frequency in gnomAD. In silico models predict that this variant is possibly or probably damaging. In conclusion, we classify GAA p.Trp661Gly (c.1981T>G) as a variant of uncertain significance.

Literature cited by the submitters: PubMed 18425781; PubMed 30281819; PubMed 19343043.

NM_000152.5(GAA):c.1981T>G (p.Trp661Gly)

Gene: GAA (alpha glucosidase; plus strand). Cytogenetic location: 17q25.3.
Variant type: single nucleotide variant.
Coding change: c.1981T>G on transcript NM_000152.5 (MANE Select); coding-DNA position 1981, T replaced by G.
Protein change: p.Trp661Gly; replaces tryptophan 661 with glycine.
Molecular consequence: missense variant.
Genome position (GRCh38, 1-based): chr17:80,112,968, T>G. VCF-style: chr17-80112968-T-G. GRCh37 (hg19) VCF-style: chr17-78086767-T-G.
Other names: c.1981T>G, p.Trp661Gly (NM_001079803.3, NM_001079804.3, NM_001406741.1 and 1 more transcripts); short protein forms W661G.
Identifiers: ClinVar variation 4876318 (VCV004876318.1).